The following is an entry in ClinVar:

ClinVar aggregate classification (germline): Uncertain significance (1 of 4 stars; one submission).

Conditions:
Epidermolysis bullosa simplex with migratory circinate erythema. Also called: Epidermolysis bullosa simplex 2E, with migratory circinate erythema. Identifiers: Orphanet 158681, MedGen C1836284, MONDO:0012258, OMIM 609352.
Epidermolysis bullosa simplex with mottled pigmentation (EBS2F). Also called: SPECKLED HYPERPIGMENTATION WITH PUNCTATE PALMOPLANTAR KERATOSES AND CHILDHOOD BLISTERING; EPIDERMOLYSIS BULLOSA SIMPLEX 2F, WITH MOTTLED PIGMENTATION. Identifiers: Orphanet 79397, MedGen C0432316, MONDO:0007556, OMIM 131960.
Epidermolysis bullosa simplex 2A, generalized severe. Also called: Epidermolysis bullosa simplex 2, severe; Epidermolysis bullosa simplex 2, generalized severe; Epidermolysis bullosa simplex 2, Dowling-Meara type. Identifiers: MedGen CN301077, MONDO:0030489, OMIM 619555.
Epidermolysis bullosa simplex 2B, generalized intermediate (EBS2B). Also called: Epidermolysis bullosa simplex 2B, Koebner type. Identifiers: MedGen C5562009, MONDO:0030525, OMIM 619588.
Epidermolysis bullosa simplex 2C, localized (EBS2C). Also called: Epidermolysis bullosa simplex 2C, Weber-Cockayne type. Identifiers: MedGen C5562011, MONDO:0030527, OMIM 619594.
Epidermolysis bullosa simplex 2d, generalized, intermediate or severe, autosomal recessive. Identifiers: MedGen C5562014, MONDO:0030535, OMIM 619599.
Dowling-Degos disease 1. Identifiers: Orphanet 79145, MedGen C4552092, MONDO:0024534, OMIM 179850.

Submission:

Juno Genomics, Hangzhou Juno Genomics, Inc
Classification: Uncertain significance for Dowling-Degos disease 1; Epidermolysis bullosa simplex 2A, generalized severe; Epidermolysis bullosa simplex 2B, generalized intermediate; Epidermolysis bullosa simplex 2C, localized; Epidermolysis bullosa simplex 2d, generalized, intermediate or severe, autosomal recessive; Epidermolysis bullosa simplex with migratory circinate erythema; Epidermolysis bullosa simplex with mottled pigmentation. Review status: criteria provided, single submitter. Criteria: ACMG Guidelines, 2015. Collection method: clinical testing. Allele origin: germline. Affected: yes.
Comment: Absent from controls (or at extremely low frequency if recessive) in Genome Aggregation Database, Exome Sequencing Project, 1000 Genomes Project, or Exome Aggregation Consortium.;Multiple lines of computational evidence support a deleterious effect on the gene or gene product (conservation, evolutionary, splicing impact, etc).;Patient's phenotype or family history is highly specific for a disease with a single genetic etiology.

NM_000424.4(KRT5):c.1434A>C (p.Glu478Asp)

Genes: KRT5 (keratin 5; minus strand), LOC126861525 (BRD4-independent group 4 enhancer GRCh37_chr12:52909857-52911056; plus strand). Cytogenetic location: 12q13.13.
Variant type: single nucleotide variant.
Coding change: c.1434A>C on transcript NM_000424.4 (MANE Select); coding-DNA position 1434, A replaced by C.
Protein change: p.Glu478Asp; replaces glutamic acid 478 with aspartic acid.
Molecular consequence: missense variant.
Genome position (GRCh38, 1-based): chr12:52,516,642, T>G on the plus strand (A>C on the coding strand, the complement: KRT5 is on the minus strand). VCF-style: chr12-52516642-T-G. GRCh37 (hg19) VCF-style: chr12-52910426-T-G.
Other names: short protein forms E478D.
Identifiers: ClinVar variation 3382368 (VCV003382368.2).